The following is an entry in ClinVar:

ClinVar aggregate classification (germline): Likely benign. Review status: criteria provided, multiple submitters, no conflicts (2 of 4 stars). 6 submissions from 6 submitters: Likely benign (6). Last evaluated 2025-12-16.

Conditions:
Inborn genetic diseases. Identifiers: MedGen C0950123, MeSH D030342.
Developmental and epileptic encephalopathy, 18 (DEE18). Also called: Early infantile epileptic encephalopathy 18. Identifiers: Orphanet 369894, MedGen C3809624, MONDO:0014201, OMIM 615476.

Allele frequency attached by ClinVar (database versions not stated): gnomAD exomes 0.00006 and 0.00016; 1000 Genomes Project 30x 0.00016; 1000 Genomes Project 0.00020; ExAC 0.00021; gnomAD 0.00077 and 0.00088; TOPMed 0.00077; ESP Exome Variant Server 0.00092.
gnomAD v4.1: 211 of 1,614,182 alleles (0.013%); highest among the groups gnomAD compares: African/African-American, 0.26%; no homozygotes.

Submissions (6):

Labcorp Genetics (formerly Invitae), Labcorp
Classification: Likely benign. Last evaluated: 2025-12-16. Review status: criteria provided, single submitter. Criteria: Invitae Variant Classification Sherloc (09022015). Collection method: clinical testing. Allele origin: germline.

Women's Health and Genetics/Laboratory Corporation of America, LabCorp
Classification: Likely benign. Last evaluated: 2024-01-03. Review status: criteria provided, single submitter. Criteria: LabCorp Variant Classification Summary - May 2015. Collection method: clinical testing. Allele origin: germline.
Comment: Variant summary: C1orf84 c.8256G>A alters a conserved nucleotide resulting in a synonymous change. Consensus agreement among computation tools predict no significant impact on normal splicing. However, these predictions have yet to be confirmed by functional studies. The variant allele was found at a frequency of 0.00023 in 282826 control chromosomes (gnomAD). To our knowledge, no occurrence of c.8256G>A in individuals affected with Early Infantile Epileptic Encephalopathy 18 and no experimental evidence demonstrating its impact on protein function have been reported. Four submitters have cited clinical-significance assessments for this variant to ClinVar after 2014. All submitters classified the variant as likely benign. Based on the evidence outlined above, the variant was classified as likely benign.

Genome-Nilou Lab
Classification: Likely benign for Developmental and epileptic encephalopathy, 18. Last evaluated: 2023-04-11. Review status: criteria provided, single submitter. Criteria: ACMG Guidelines, 2015. Collection method: clinical testing. Allele origin: germline. Affected: no.

GeneDx
Classification: Likely benign. Last evaluated: 2021-01-18. Review status: criteria provided, single submitter. Criteria: GeneDx Variant Classification Process June 2021. Collection method: clinical testing. Allele origin: germline. Affected: yes.

Ambry Genetics
Classification: Likely benign for Inborn genetic diseases. Last evaluated: 2018-10-29. Review status: criteria provided, single submitter. Criteria: Ambry Variant Classification Scheme 2023. Collection method: clinical testing. Allele origin: germline.

Breakthrough Genomics
Classification: Likely benign. Review status: criteria provided, single submitter. Criteria: ACMG Guidelines, 2015. Collection method: not provided. Allele origin: germline. Inheritance: Autosomal recessive inheritance. Affected: yes.

NM_001365999.1(SZT2):c.8427G>A (p.Glu2809=)

Gene: SZT2 (SZT2 subunit of KICSTOR complex; plus strand). Cytogenetic location: 1p34.2.
Variant type: single nucleotide variant.
Coding change: c.8427G>A on transcript NM_001365999.1 (MANE Select); coding-DNA position 8427, G replaced by A.
Protein change: p.Glu2809=; no amino-acid change (glutamic acid 2809 retained).
Molecular consequence: synonymous variant.
Genome position (GRCh38, 1-based): chr1:43,443,195, G>A. VCF-style: chr1-43443195-G-A. GRCh37 (hg19) VCF-style: chr1-43908866-G-A.
Other names: c.8256G>A, p.Glu2752= (NM_015284.4).
Identifiers: ClinVar variation 696764 (VCV000696764.17), dbSNP rs140309222, ClinGen allele CA810548.